The following is an entry in ClinVar:

ClinVar aggregate classification (germline): Uncertain significance. Review status: criteria provided, multiple submitters, no conflicts (2 of 4 stars). 2 submissions from 2 submitters: Uncertain significance (2). Last evaluated 2025-11-24.

Conditions:
Hereditary cancer-predisposing syndrome. Also called: Tumor predisposition; Neoplastic Syndromes, Hereditary; Hereditary Cancer Syndrome; Hereditary neoplastic syndrome. Identifiers: Orphanet 140162, MedGen C0027672, MeSH D009386, MONDO:0015356.

Allele frequency attached by ClinVar (database versions not stated): TOPMed below 0.00001.

Submissions (2):

Ambry Genetics
Classification: Uncertain significance for Hereditary cancer-predisposing syndrome. Last evaluated: 2025-11-24. Review status: criteria provided, single submitter. Criteria: Ambry Variant Classification Scheme 2023. Collection method: clinical testing. Allele origin: germline.
Comment: The p.V1002M variant (also known as c.3004G>A), located in coding exon 25 of the POLE gene, results from a G to A substitution at nucleotide position 3004. The valine at codon 1002 is replaced by methionine, an amino acid with highly similar properties. This amino acid position is highly conserved in available vertebrate species. In addition, this alteration is predicted to be tolerated by in silico analysis. Based on the available evidence, the clinical significance of this variant remains unclear.

Labcorp Genetics (formerly Invitae), Labcorp
Classification: Uncertain significance. Last evaluated: 2024-12-28. Review status: criteria provided, single submitter. Criteria: Invitae Variant Classification Sherloc (09022015). Collection method: clinical testing. Allele origin: germline.
Comment: This sequence change replaces valine, which is neutral and non-polar, with methionine, which is neutral and non-polar, at codon 1002 of the POLE protein (p.Val1002Met). This variant is not present in population databases (gnomAD no frequency). This variant has not been reported in the literature in individuals affected with POLE-related conditions. ClinVar contains an entry for this variant (Variation ID: 2012052). Invitae Evidence Modeling of protein sequence and biophysical properties (such as structural, functional, and spatial information, amino acid conservation, physicochemical variation, residue mobility, and thermodynamic stability) indicates that this missense variant is not expected to disrupt POLE protein function with a negative predictive value of 80%. In summary, the available evidence is currently insufficient to determine the role of this variant in disease. Therefore, it has been classified as a Variant of Uncertain Significance.

NM_006231.4(POLE):c.3004G>A (p.Val1002Met)

Gene: POLE (DNA polymerase epsilon, catalytic subunit; minus strand). Cytogenetic location: 12q24.33.
Variant type: single nucleotide variant.
Coding change: c.3004G>A on transcript NM_006231.4 (MANE Select); coding-DNA position 3004, G replaced by A.
Protein change: p.Val1002Met; replaces valine 1002 with methionine.
Molecular consequence: missense variant.
Genome position (GRCh38, 1-based): chr12:132,661,025, C>T on the plus strand (G>A on the coding strand, the complement: POLE is on the minus strand). VCF-style: chr12-132661025-C-T. GRCh37 (hg19) VCF-style: chr12-133237611-C-T.
Other names: c.3004G>A (NM_006231.2); short protein forms V1002M.
Identifiers: ClinVar variation 2012052 (VCV002012052.5), dbSNP rs2042666966, ClinGen allele CA387392311.